The following is an entry in ClinVar:

NM_000038.6(APC):c.7086A>T (p.Gly2362=)

Gene: APC (APC regulator of Wnt signaling pathway; plus strand). Cytogenetic location: 5q22.2.
Variant type: single nucleotide variant.
Coding change: c.7086A>T on transcript NM_000038.6 (MANE Select); coding-DNA position 7086, A replaced by T.
Protein change: p.Gly2362=; no amino-acid change (glycine 2362 retained).
Molecular consequence: synonymous variant.
Genome position (GRCh38, 1-based): chr5:112,842,680, A>T. VCF-style: chr5-112842680-A-T. GRCh37 (hg19) VCF-style: chr5-112178377-A-T.
Other names: c.7086A>T, p.Gly2362= (NM_001127510.3, NM_001354895.2); c.7032A>T, p.Gly2344= (NM_001127511.3); c.7140A>T, p.Gly2380= (NM_001354896.2); c.7116A>T, p.Gly2372= (NM_001354897.2); c.7011A>T, p.Gly2337= (NM_001354898.2); c.7002A>T, p.Gly2334= (NM_001354899.2); c.6963A>T, p.Gly2321= (NM_001354900.2); c.6909A>T, p.Gly2303= (NM_001354901.2); and 5 more.
Identifiers: ClinVar variation 645315 (VCV000645315.16), dbSNP rs780439042, ClinGen allele CA446210024.
Genomic context (GRCh38, chr5:112,842,680, plus strand): 5'-ATCTCAACTTCCAAGGACATCATCCCCTAGTACTGCTTCAACTAAGTCCTCAGGTTCTGG[A>T]AAAATGTCATATACATCTCCAGGTAGACAGATGAGCCAACAGAACCTTACCAAACAAACA-3'
Protein context (NP_000029.2, residues 2352-2372): STASTKSSGS[Gly2362=]KMSYTSPGRQ

ClinVar aggregate classification (germline): Benign/Likely benign. Review status: criteria provided, multiple submitters, no conflicts (2 of 4 stars). 4 submissions from 4 submitters: Benign (1); Likely benign (3). Last evaluated 2025-04-20.

Conditions:
Familial adenomatous polyposis 1 (FAP1). Also called: FAMILIAL ADENOMATOUS POLYPOSIS 1, ATTENUATED; POLYPOSIS, ADENOMATOUS INTESTINAL. Identifiers: MedGen C2713442, MONDO:0021056, OMIM 175100. Disease mechanism: loss of function.
Hereditary cancer-predisposing syndrome. Also called: Hereditary Cancer Syndrome; Tumor predisposition; Hereditary neoplastic syndrome; Neoplastic Syndromes, Hereditary. Identifiers: Orphanet 140162, MedGen C0027672, MeSH D009386, MONDO:0015356.

Submissions (4):

Labcorp Genetics (formerly Invitae), Labcorp
Classification: Likely benign for Familial adenomatous polyposis 1. Last evaluated: 2025-04-20. Review status: criteria provided, single submitter. Criteria: Invitae Variant Classification Sherloc (09022015). Collection method: clinical testing. Allele origin: germline.

Myriad Genetics, Inc.
Classification: Benign for Familial adenomatous polyposis 1. Last evaluated: 2024-04-08. Review status: criteria provided, single submitter. Criteria: Myriad Autosomal Dominant, Autosomal Recessive and X-Linked Classification Criteria (2023). Collection method: clinical testing. Allele origin: unknown.
Comment: This variant is considered benign. This variant is a silent/synonymous amino acid change and it is not expected to impact splicing.

Color Diagnostics, LLC DBA Color Health
Classification: Likely benign for Hereditary cancer-predisposing syndrome. Last evaluated: 2023-12-11. Review status: criteria provided, single submitter. Criteria: ACMG Guidelines, 2015. Collection method: clinical testing. Allele origin: germline.

Ambry Genetics
Classification: Likely benign for Hereditary cancer-predisposing syndrome. Last evaluated: 2018-06-20. Review status: criteria provided, single submitter. Criteria: Ambry Variant Classification Scheme 2023. Collection method: clinical testing. Allele origin: germline.